The following is an entry in ClinVar:

NM_017849.4(TMEM127):c.10C>A (p.Pro4Thr)

Genes: TMEM127 (transmembrane protein 127; minus strand), LOC129934333 (ATAC-STARR-seq lymphoblastoid silent region 11759; plus strand). Cytogenetic location: 2q11.2.
Variant type: single nucleotide variant.
Coding change: c.10C>A on transcript NM_017849.4 (MANE Select); coding-DNA position 10, C replaced by A.
Protein change: p.Pro4Thr; replaces proline 4 with threonine.
Molecular consequence: missense variant.
Genome position (GRCh38, 1-based): chr2:96,265,372, G>T on the plus strand (C>A on the coding strand, the complement: TMEM127 is on the minus strand). VCF-style: chr2-96265372-G-T. GRCh37 (hg19) VCF-style: chr2-96931110-G-T.
Other names: c.10C>A, p.Pro4Thr (NM_001193304.3); short protein forms P4T.
Identifiers: ClinVar variation 1791945 (VCV001791945.2), dbSNP rs1024081498, ClinGen allele CA347656346.
Genomic context (GRCh38, chr2:96,265,372, plus strand): 5'-GCAGAGCGCTGCCTCCCGGGCTCCTCCGCCGGCGCCCGCCGGGCAGCCCTGCGCCTCCGG[G>T]GGCGTACATGCCCGGGGCCGCCCGCCGTCGCTCCGCAGTCGCTGCTGGTCGCCGCCGACC-3'
Protein context (NP_060319.1, residues 1-14): MYA[Pro4Thr]GGAGLPGGRR

ClinVar aggregate classification (germline): Uncertain significance (1 of 4 stars; one submission).

Conditions:
Hereditary cancer-predisposing syndrome. Also called: Hereditary Cancer Syndrome; Hereditary neoplastic syndrome; Tumor predisposition; Neoplastic Syndromes, Hereditary. Identifiers: Orphanet 140162, MedGen C0027672, MeSH D009386, MONDO:0015356.

Submission:

Ambry Genetics
Classification: Uncertain significance for Hereditary cancer-predisposing syndrome. Last evaluated: 2022-07-12. Review status: criteria provided, single submitter. Criteria: Ambry Variant Classification Scheme 2023. Collection method: clinical testing. Allele origin: germline.
Comment: The p.P4T variant (also known as c.10C>A), located in coding exon 1 of the TMEM127 gene, results from a C to A substitution at nucleotide position 10. The proline at codon 4 is replaced by threonine, an amino acid with highly similar properties. This amino acid position is conserved. In addition, the in silico prediction for this alteration is inconclusive. Since supporting evidence is limited at this time, the clinical significance of this alteration remains unclear.